The following is an entry in ClinVar:

NM_006031.6(PCNT):c.3535C>T (p.Leu1179=)

Gene: PCNT (pericentrin; plus strand). Cytogenetic location: 21q22.3.
Variant type: single nucleotide variant.
Coding change: c.3535C>T on transcript NM_006031.6 (MANE Select); coding-DNA position 3535, C replaced by T.
Protein change: p.Leu1179=; no amino-acid change (leucine 1179 retained).
Molecular consequence: synonymous variant.
Genome position (GRCh38, 1-based): chr21:46,388,812, C>T. VCF-style: chr21-46388812-C-T. GRCh37 (hg19) VCF-style: chr21-47808727-C-T.
Other names: c.3535C>T (NM_006031.5); c.3181C>T, p.Leu1061= (NM_001315529.2).
Identifiers: ClinVar variation 1901291 (VCV001901291.7), dbSNP rs766579247, ClinGen allele CA10079346.
Genomic context (GRCh38, chr21:46,388,812, plus strand): 5'-CAGGACGCCCTGCGCAGGCTGCTGGGTTTGTTTGGAGAGACGCTGAGGGCAGCCGTCACC[C>T]TGAGGAGCCGGATCGGGGAGCGCGTGGGGCTCTGCCTGGATGACGCGGGCGCAGGCCTGG-3'
Protein context (NP_006022.3, residues 1169-1189): FGETLRAAVT[Leu1179=]RSRIGERVGL

ClinVar aggregate classification (germline): Likely benign. Review status: criteria provided, multiple submitters, no conflicts (2 of 4 stars). 3 submissions from 3 submitters: Likely benign (2). 1 of the submissions does not count toward it. Last evaluated 2025-12-15.

Conditions:
PCNT-related disorder. Also called: PCNT-related condition.

Allele frequency attached by ClinVar (database versions not stated): gnomAD exomes 0.00002; TOPMed 0.00002; ExAC 0.00007.
gnomAD v4.1: 24 of 1,613,442 alleles (0.0015%); highest among the groups gnomAD compares: Non-Finnish European, 0.0019%; no homozygotes.

Submissions (3):

Labcorp Genetics (formerly Invitae), Labcorp
Classification: Likely benign. Last evaluated: 2025-12-15. Review status: criteria provided, single submitter. Criteria: Invitae Variant Classification Sherloc (09022015). Collection method: clinical testing. Allele origin: germline.

Blueprint Genetics
Classification: Likely benign. Last evaluated: 2024-07-17. Review status: criteria provided, single submitter. Criteria: ACMG Guidelines, 2015. Collection method: clinical testing. Allele origin: germline.

PreventionGenetics, part of Exact Sciences
Classification: Likely benign for PCNT-related condition. Last evaluated: 2023-02-22. Review status: no assertion criteria provided. Collection method: clinical testing. Allele origin: germline. Not counted in ClinVar's aggregate classification.
Comment: This variant is classified as likely benign based on ACMG/AMP sequence variant interpretation guidelines (Richards et al. 2015 PMID: 25741868, with internal and published modifications).